The following is an entry in ClinVar:

ClinVar aggregate classification (germline): Uncertain significance (1 of 4 stars; one submission).

Allele frequency attached by ClinVar (database versions not stated): gnomAD below 0.00001 and 0.00003; gnomAD exomes 0.00002; ExAC 0.00003; 1000 Genomes Project 30x 0.00031.
gnomAD v4.1: 28 of 1,613,720 alleles (0.0017%); highest among the groups gnomAD compares: South Asian, 0.027%; no homozygotes.

Submission:

Labcorp Genetics (formerly Invitae), Labcorp
Classification: Uncertain significance. Last evaluated: 2024-05-23. Review status: criteria provided, single submitter. Criteria: Invitae Variant Classification Sherloc (09022015). Collection method: clinical testing. Allele origin: germline.
Comment: This sequence change replaces leucine, which is neutral and non-polar, with valine, which is neutral and non-polar, at codon 141 of the IRF4 protein (p.Leu141Val). This variant is present in population databases (rs11557493, gnomAD 0.01%). This variant has not been reported in the literature in individuals affected with IRF4-related conditions. ClinVar contains an entry for this variant (Variation ID: 1039904). An algorithm developed to predict the effect of missense changes on protein structure and function (PolyPhen-2) suggests that this variant is likely to be tolerated. In summary, the available evidence is currently insufficient to determine the role of this variant in disease. Therefore, it has been classified as a Variant of Uncertain Significance.

NM_002460.4(IRF4):c.421C>G (p.Leu141Val)

Gene: IRF4 (interferon regulatory factor 4; plus strand). Cytogenetic location: 6p25.3.
Variant type: single nucleotide variant.
Coding change: c.421C>G on transcript NM_002460.4 (MANE Select); coding-DNA position 421, C replaced by G.
Protein change: p.Leu141Val; replaces leucine 141 with valine.
Molecular consequence: missense variant. On other transcripts: non-coding transcript variant (1).
Genome position (GRCh38, 1-based): chr6:395,864, C>G. VCF-style: chr6-395864-C-G. GRCh37 (hg19) VCF-style: chr6-395864-C-G.
Other names: c.421C>G, p.Leu141Val (NM_001195286.2); short protein forms L141V.
Identifiers: ClinVar variation 1039904 (VCV001039904.9), dbSNP rs11557493, ClinGen allele CA3612691.